The following is an entry in ClinVar:

ClinVar aggregate classification (germline): Uncertain significance (1 of 4 stars; one submission).

gnomAD v4.1: 7 of 1,614,126 alleles (0.00043%); highest among the groups gnomAD compares: South Asian, 0.0022%; 1 homozygote.

Submission:

Ambry Genetics
Classification: Uncertain significance. Last evaluated: 2024-09-30. Review status: criteria provided, single submitter. Criteria: Ambry Variant Classification Scheme 2023. Collection method: clinical testing. Allele origin: germline.
Comment: The p.N2167S variant (also known as c.6500A>G), located in coding exon 21 of the POLQ gene, results from an A to G substitution at nucleotide position 6500. The asparagine at codon 2167 is replaced by serine, an amino acid with highly similar properties. This amino acid position is conserved. In addition, this alteration is predicted to be tolerated by in silico analysis. Based on the available evidence, the clinical significance of this variant remains unclear.

NM_199420.4(POLQ):c.6500A>G (p.Asn2167Ser)

Gene: POLQ (DNA polymerase theta; minus strand). Cytogenetic location: 3q13.33.
Variant type: single nucleotide variant.
Coding change: c.6500A>G on transcript NM_199420.4 (MANE Select); coding-DNA position 6500, A replaced by G.
Protein change: p.Asn2167Ser; replaces asparagine 2167 with serine.
Molecular consequence: missense variant.
Genome position (GRCh38, 1-based): chr3:121,473,393, T>C on the plus strand (A>G on the coding strand, the complement: POLQ is on the minus strand). VCF-style: chr3-121473393-T-C. GRCh37 (hg19) VCF-style: chr3-121192240-T-C.
Other names: short protein forms N2167S.
Identifiers: ClinVar variation 3422575 (VCV003422575.1).